The following is an entry in ClinVar:

NM_001369268.1(ACAN):c.760G>T (p.Glu254Ter)

Gene: ACAN (aggrecan; plus strand). Cytogenetic location: 15q26.1.
Variant type: single nucleotide variant.
Coding change: c.760G>T on transcript NM_001369268.1 (MANE Select); coding-DNA position 760, G replaced by T.
Protein change: p.Glu254Ter; replaces glutamic acid 254 with a stop codon.
Molecular consequence: nonsense.
Genome position (GRCh38, 1-based): chr15:88,843,357, G>T. VCF-style: chr15-88843357-G-T. GRCh37 (hg19) VCF-style: chr15-89386588-G-T.
Other names: c.760G>T, p.Glu254Ter (NM_001135.4, NM_001411096.1, NM_001411097.1 and 1 more transcripts); short protein forms E254*.
Identifiers: ClinVar variation 2819253 (VCV002819253.3), dbSNP rs2505250018, ClinGen allele CA393707219.

ClinVar aggregate classification (germline): Pathogenic. Review status: criteria provided, multiple submitters, no conflicts (2 of 4 stars). 2 submissions from 2 submitters: Pathogenic (2). Last evaluated 2025-10-29.

Conditions:
Short stature and advanced bone age, with or without early-onset osteoarthritis and/or osteochondritis dissecans (SSOAOD). Identifiers: Orphanet 251262, MedGen C3665488, MONDO:0100462, OMIM 165800.

Submissions (2):

MVZ Martinsried, Medicover Genetics
Classification: Pathogenic for Short stature and advanced bone age, with or without early-onset osteoarthritis and/or osteochondritis dissecans. Last evaluated: 2025-10-29. Review status: criteria provided, single submitter. Criteria: ClinGen Variant Curation SOP V3.2 + Classification Guidance July2025. Collection method: clinical testing. Allele origin: inherited. Affected: yes. Observed: 3 variant alleles, 1 heterozygote.

Labcorp Genetics (formerly Invitae), Labcorp
Classification: Pathogenic. Last evaluated: 2022-12-07. Review status: criteria provided, single submitter. Criteria: Invitae Variant Classification Sherloc (09022015). Collection method: clinical testing. Allele origin: germline.
Comment: This sequence change creates a premature translational stop signal (p.Glu254*) in the ACAN gene. It is expected to result in an absent or disrupted protein product. Loss-of-function variants in ACAN are known to be pathogenic (PMID: 16080123, 24762113). This variant is not present in population databases (gnomAD no frequency). This variant has not been reported in the literature in individuals affected with ACAN-related conditions. Algorithms developed to predict the effect of sequence changes on RNA splicing suggest that this variant may create or strengthen a splice site. For these reasons, this variant has been classified as Pathogenic.

Literature cited by the submitters: PubMed 16080123 (cited by Labcorp Genetics (formerly Invitae), Labcorp); PubMed 24762113 (cited by Labcorp Genetics (formerly Invitae), Labcorp).